The following is an entry in ClinVar:

NM_000891.3(KCNJ2):c.1196G>A (p.Ser399Asn)

Gene: KCNJ2 (potassium inwardly rectifying channel subfamily J member 2; plus strand). Cytogenetic location: 17q24.3.
Variant type: single nucleotide variant.
Coding change: c.1196G>A on transcript NM_000891.3 (MANE Select); coding-DNA position 1196, G replaced by A.
Protein change: p.Ser399Asn; replaces serine 399 with asparagine.
Molecular consequence: missense variant.
Genome position (GRCh38, 1-based): chr17:70,176,235, G>A. VCF-style: chr17-70176235-G-A. GRCh37 (hg19) VCF-style: chr17-68172376-G-A.
Other names: short protein forms S399N.
Identifiers: ClinVar variation 863721 (VCV000863721.9), dbSNP rs1598211624, ClinGen allele CA400863958.

ClinVar aggregate classification (germline): Uncertain significance (1 of 4 stars; one submission).

Conditions:
Andersen Tawil syndrome (LQT7). Also called: ANDERSEN CARDIODYSRHYTHMIC PERIODIC PARALYSIS; LONG QT SYNDROME 7; PERIODIC PARALYSIS, POTASSIUM-SENSITIVE CARDIODYSRHYTHMIC TYPE; Andersen Syndrome; Potassium-sensitive periodic paralysis, ventricular ectopy, and dysmorphic features. Identifiers: Orphanet 37553, MedGen C1563715, MONDO:0008222, OMIM 170390.
Short QT syndrome type 3. Identifiers: Orphanet 51083, MedGen C1865018, MONDO:0012314, OMIM 609622.

Submission:

Labcorp Genetics (formerly Invitae), Labcorp
Classification: Uncertain significance for Short QT syndrome type 3; Andersen Tawil syndrome. Last evaluated: 2022-09-13. Review status: criteria provided, single submitter. Criteria: Invitae Variant Classification Sherloc (09022015). Collection method: clinical testing. Allele origin: germline.
Comment: ClinVar contains an entry for this variant (Variation ID: 863721). This variant has not been reported in the literature in individuals affected with KCNJ2-related conditions. This variant is not present in population databases (gnomAD no frequency). This sequence change replaces serine, which is neutral and polar, with asparagine, which is neutral and polar, at codon 399 of the KCNJ2 protein (p.Ser399Asn). Algorithms developed to predict the effect of missense changes on protein structure and function (SIFT, PolyPhen-2, Align-GVGD) all suggest that this variant is likely to be tolerated. In summary, the available evidence is currently insufficient to determine the role of this variant in disease. Therefore, it has been classified as a Variant of Uncertain Significance.